The following is an entry in ClinVar:

NM_020693.4(DSCAML1):c.2716C>T (p.Arg906Cys)

Gene: DSCAML1 (DS cell adhesion molecule like 1; minus strand). Cytogenetic location: 11q23.3.
Variant type: single nucleotide variant.
Coding change: c.2716C>T on transcript NM_020693.4 (MANE Select); coding-DNA position 2716, C replaced by T.
Protein change: p.Arg906Cys; replaces arginine 906 with cysteine.
Molecular consequence: missense variant.
Genome position (GRCh38, 1-based): chr11:117,480,512, G>A on the plus strand (C>T on the coding strand, the complement: DSCAML1 is on the minus strand). VCF-style: chr11-117480512-G-A. GRCh37 (hg19) VCF-style: chr11-117351227-G-A.
Other names: c.2716C>T, p.Arg906Cys (NM_001367904.1); short protein forms R906C.
Identifiers: ClinVar variation 1497201 (VCV001497201.6), dbSNP rs748512341, ClinGen allele CA6296902.

ClinVar aggregate classification (germline): Uncertain significance (1 of 4 stars; one submission).

Allele frequency attached by ClinVar (database versions not stated): TOPMed 0.00001; ExAC 0.00003.
gnomAD v4.1: 13 of 1,603,426 alleles (0.00081%); highest among the groups gnomAD compares: Non-Finnish European, 0.001%; no homozygotes.

Submission:

Labcorp Genetics (formerly Invitae), Labcorp
Classification: Uncertain significance. Last evaluated: 2024-03-18. Review status: criteria provided, single submitter. Criteria: Invitae Variant Classification Sherloc (09022015). Collection method: clinical testing. Allele origin: germline.
Comment: This sequence change replaces arginine, which is basic and polar, with cysteine, which is neutral and slightly polar, at codon 966 of the DSCAML1 protein (p.Arg966Cys). The frequency data for this variant in the population databases is considered unreliable, as metrics indicate poor data quality at this position in the gnomAD database. This variant has not been reported in the literature in individuals affected with DSCAML1-related conditions. ClinVar contains an entry for this variant (Variation ID: 1497201). An algorithm developed to predict the effect of missense changes on protein structure and function (PolyPhen-2) suggests that this variant is likely to be disruptive. In summary, the available evidence is currently insufficient to determine the role of this variant in disease. Therefore, it has been classified as a Variant of Uncertain Significance.